The following is an entry in ClinVar:

NM_021814.5(ELOVL5):c.539T>G (p.Met180Arg)

Gene: ELOVL5 (ELOVL fatty acid elongase 5; minus strand). Cytogenetic location: 6p12.1.
Variant type: single nucleotide variant.
Coding change: c.539T>G on transcript NM_021814.5 (MANE Select); coding-DNA position 539, T replaced by G.
Protein change: p.Met180Arg; replaces methionine 180 with arginine.
Molecular consequence: missense variant. On other transcripts: intron variant (1).
Genome position (GRCh38, 1-based): chr6:53,273,302, A>C on the plus strand (T>G on the coding strand, the complement: ELOVL5 is on the minus strand). VCF-style: chr6-53273302-A-C. GRCh37 (hg19) VCF-style: chr6-53138100-A-C.
Other names: c.620T>G, p.Met207Arg (NM_001242828.2); c.539T>G, p.Met180Arg (NM_001301856.2); c.496+1788T>G (NM_001242830.2); short protein forms M207R, M180R.
Identifiers: ClinVar variation 2835705 (VCV002835705.3), dbSNP rs2533718524, ClinGen allele CA364476688.

ClinVar aggregate classification (germline): Uncertain significance (1 of 4 stars; one submission).

Submission:

Labcorp Genetics (formerly Invitae), Labcorp
Classification: Uncertain significance. Last evaluated: 2023-02-09. Review status: criteria provided, single submitter. Criteria: Invitae Variant Classification Sherloc (09022015). Collection method: clinical testing. Allele origin: germline.
Comment: This sequence change replaces methionine, which is neutral and non-polar, with arginine, which is basic and polar, at codon 180 of the ELOVL5 protein (p.Met180Arg). In summary, the available evidence is currently insufficient to determine the role of this variant in disease. Therefore, it has been classified as a Variant of Uncertain Significance. Algorithms developed to predict the effect of sequence changes on RNA splicing suggest that this variant may create or strengthen a splice site. Advanced modeling of protein sequence and biophysical properties (such as structural, functional, and spatial information, amino acid conservation, physicochemical variation, residue mobility, and thermodynamic stability) performed at Invitae indicates that this missense variant is expected to disrupt ELOVL5 protein function. This variant has not been reported in the literature in individuals affected with ELOVL5-related conditions. This variant is not present in population databases (gnomAD no frequency).